The following is an entry in ClinVar:

NM_001267550.2(TTN):c.92799G>C (p.Gln30933His)

Genes: TTN (titin; minus strand), TTN-AS1 (TTN antisense RNA 1; plus strand). Cytogenetic location: 2q31.2.
Variant type: single nucleotide variant.
Coding change: c.92799G>C on transcript NM_001267550.2 (MANE Select); coding-DNA position 92799, G replaced by C.
Protein change: p.Gln30933His; replaces glutamine 30933 with histidine.
Molecular consequence: missense variant.
Genome position (GRCh38, 1-based): chr2:178,548,827, C>G on the plus strand (G>C on the coding strand, the complement: TTN is on the minus strand). VCF-style: chr2-178548827-C-G. GRCh37 (hg19) VCF-style: chr2-179413554-C-G.
Other names: c.87876G>C, p.Gln29292His (NM_001256850.1); c.65604G>C, p.Gln21868His (NM_003319.4); c.85095G>C, p.Gln28365His (NM_133378.4); c.65979G>C, p.Gln21993His (NM_133432.3); c.66180G>C, p.Gln22060His (NM_133437.4); short protein forms Q21868H, Q30933H, Q21993H, Q28365H, Q22060H, Q29292H.
Identifiers: ClinVar variation 519002 (VCV000519002.5), dbSNP rs1553532340, ClinGen allele CA349490813.
Genomic context (GRCh38, chr2:178,548,827, plus strand): 5'-AGGTCTACCTTGGTAGGCAATGAAGAGGCGAATACTGGCCCCAGCTCTAACAACATGAGT[C>G]TGTTTGAAGTTTGCATCTATGTCTAACTCAGGAGCTGTTAACCGGTCAACTGCTTTAATT-3'
Protein context (NP_001254479.2, residues 30923-30943): PELDIDANFK[Gln30933His]THVVRAGASI

ClinVar aggregate classification (germline): Uncertain significance (1 of 4 stars; one submission).

Conditions:
Cardiovascular phenotype. Identifiers: MedGen CN230736.

gnomAD v4.1: 6 of 1,612,966 alleles (0.00037%); highest among the groups gnomAD compares: Non-Finnish European, 0.00051%; no homozygotes.

Submission:

Ambry Genetics
Classification: Uncertain significance for Cardiovascular phenotype. Last evaluated: 2017-06-01. Review status: criteria provided, single submitter. Criteria: Ambry Variant Classification Scheme 2023. Collection method: clinical testing. Allele origin: germline.
Comment: The p.Q21868H variant (also known as c.65604G>C), located in coding exon 166 of the TTN gene, results from a G to C substitution at nucleotide position 65604. The glutamine at codon 21868 is replaced by histidine, an amino acid with highly similar properties. This amino acid position is highly conserved in available vertebrate species. In addition, this alteration is predicted to be tolerated by in silico analysis. Since supporting evidence is limited at this time, the clinical significance of this alteration remains unclear.